The following is an entry in ClinVar:

ClinVar aggregate classification (germline): Benign/Likely benign. Review status: criteria provided, multiple submitters, no conflicts (2 of 4 stars). 5 submissions from 5 submitters: Benign (1); Likely benign (4). Last evaluated 2026-01-21.

Conditions:
Inborn genetic diseases. Identifiers: MedGen C0950123, MeSH D030342.
Infantile-onset X-linked spinal muscular atrophy. Also called: Spinal Muscular Atrophy, X-Linked Infantile; Spinal muscular atrophy, X-linked 2; AMC, DISTAL, X-LINKED; ARTHROGRYPOSIS, X-LINKED, TYPE I; SPINAL MUSCULAR ATROPHY, X-LINKED LETHAL INFANTILE. Identifiers: Orphanet 1145, MedGen C1844934, MONDO:0010532, OMIM 301830.

Allele frequency attached by ClinVar (database versions not stated): ExAC 0.00022; gnomAD exomes 0.00022 and 0.00030; ESP Exome Variant Server 0.00028; gnomAD 0.00028; TOPMed 0.00029.
gnomAD v4.1: 366 of 1,211,189 alleles (0.03%); highest among the groups gnomAD compares: Middle Eastern, 0.046%; no homozygotes.

Submissions (5):

Labcorp Genetics (formerly Invitae), Labcorp
Classification: Benign for Infantile-onset X-linked spinal muscular atrophy. Last evaluated: 2026-01-21. Review status: criteria provided, single submitter. Criteria: Invitae Variant Classification Sherloc (09022015). Collection method: clinical testing. Allele origin: germline.

Blueprint Genetics
Classification: Likely benign. Last evaluated: 2024-10-22. Review status: criteria provided, single submitter. Criteria: ACMG Guidelines, 2015. Collection method: clinical testing. Allele origin: germline.

CeGaT Center for Human Genetics Tuebingen
Classification: Likely benign. Last evaluated: 2023-04-01. Review status: criteria provided, single submitter. Criteria: CeGaT Center For Human Genetics Tuebingen Variant Classification Criteria Version 2. Collection method: clinical testing. Allele origin: germline. Affected: yes. Observed: 2 variant alleles.
Comment: UBA1: BP4, BS2

Ambry Genetics
Classification: Likely benign for Inborn genetic diseases. Last evaluated: 2019-07-11. Review status: criteria provided, single submitter. Criteria: Ambry Variant Classification Scheme 2023. Collection method: clinical testing. Allele origin: germline.

GeneDx
Classification: Likely benign. Last evaluated: 2017-09-07. Review status: criteria provided, single submitter. Criteria: GeneDx Variant Classification (06012015). Collection method: clinical testing. Allele origin: germline. Affected: yes.
Comment: This variant is considered likely benign or benign based on one or more of the following criteria: it is a conservative change, it occurs at a poorly conserved position in the protein, it is predicted to be benign by multiple in silico algorithms, and/or has population frequency not consistent with disease.

NM_003334.4(UBA1):c.132C>T (p.Asn44=)

Genes: UBA1 (ubiquitin like modifier activating enzyme 1; plus strand), LOC126863253 (CDK7 strongly-dependent group 2 enhancer GRCh37_chrX:47057593-47058792; plus strand). Cytogenetic location: Xp11.3.
Variant type: single nucleotide variant.
Coding change: c.132C>T on transcript NM_003334.4 (MANE Select); coding-DNA position 132, C replaced by T.
Protein change: p.Asn44=; no amino-acid change (asparagine 44 retained).
Molecular consequence: synonymous variant.
Genome position (GRCh38, 1-based): chrX:47,199,062, C>T. VCF-style: chrX-47199062-C-T. GRCh37 (hg19) VCF-style: chrX-47058461-C-T.
Other names: c.132C>T, p.Asn44= (NM_153280.3).
Identifiers: ClinVar variation 511880 (VCV000511880.39), dbSNP rs368727585, ClinGen allele CA10395611.